The following is an entry in ClinVar:

NM_007055.4(POLR3A):c.1711A>G (p.Ile571Val)

Gene: POLR3A (RNA polymerase III subunit A; minus strand). Cytogenetic location: 10q22.3.
Variant type: single nucleotide variant.
Coding change: c.1711A>G on transcript NM_007055.4 (MANE Select); coding-DNA position 1711, A replaced by G.
Protein change: p.Ile571Val; replaces isoleucine 571 with valine.
Molecular consequence: missense variant.
Genome position (GRCh38, 1-based): chr10:78,009,923, T>C on the plus strand (A>G on the coding strand, the complement: POLR3A is on the minus strand). VCF-style: chr10-78009923-T-C. GRCh37 (hg19) VCF-style: chr10-79769681-T-C.
Other names: short protein forms I571V.
Identifiers: ClinVar variation 1975784 (VCV001975784.5), dbSNP rs752227903, ClinGen allele CA5571357.

ClinVar aggregate classification (germline): Uncertain significance (1 of 4 stars; one submission).

Allele frequency attached by ClinVar (database versions not stated): gnomAD exomes below 0.00001; TOPMed below 0.00001; ExAC 0.00001; gnomAD 0.00001.
gnomAD v4.1: 4 of 1,613,996 alleles (0.00025%); highest among the groups gnomAD compares: South Asian, 0.0022%; no homozygotes.

Submission:

Labcorp Genetics (formerly Invitae), Labcorp
Classification: Uncertain significance. Last evaluated: 2023-04-30. Review status: criteria provided, single submitter. Criteria: Invitae Variant Classification Sherloc (09022015). Collection method: clinical testing. Allele origin: germline.
Comment: This sequence change replaces isoleucine, which is neutral and non-polar, with valine, which is neutral and non-polar, at codon 571 of the POLR3A protein (p.Ile571Val). This variant is present in population databases (rs752227903, gnomAD 0.007%). This variant has not been reported in the literature in individuals affected with POLR3A-related conditions. ClinVar contains an entry for this variant (Variation ID: 1975784). Advanced modeling of protein sequence and biophysical properties (such as structural, functional, and spatial information, amino acid conservation, physicochemical variation, residue mobility, and thermodynamic stability) performed at Invitae indicates that this missense variant is not expected to disrupt POLR3A protein function. In summary, the available evidence is currently insufficient to determine the role of this variant in disease. Therefore, it has been classified as a Variant of Uncertain Significance.